The following is an entry in ClinVar:

ClinVar aggregate classification (germline): Uncertain significance. Review status: criteria provided, multiple submitters, no conflicts (2 of 4 stars). 2 submissions from 2 submitters: Uncertain significance (2). Last evaluated 2026-02-10.

Conditions:
Inborn genetic diseases. Identifiers: MedGen C0950123, MeSH D030342.

Submissions (2):

Ambry Genetics
Classification: Uncertain significance for Inborn genetic diseases. Last evaluated: 2026-02-10. Review status: criteria provided, single submitter. Criteria: Ambry Variant Classification Scheme 2023. Collection method: clinical testing. Allele origin: germline.
Comment: The c.4895_4900delGCACCA (p.S1632_T1633del) alteration is located in exon 35 (coding exon 34) of the TRRAP gene. This alteration consists of an in-frame deletion of 6 nucleotides between nucleotide positions c.4895 and c.4900, resulting in the deletion of 2 residues. Based on data from gnomAD, the ------ allele has an overall frequency of 0.001% (2/239620) total alleles studied. The highest observed frequency was 0.006% (1/17594) of East Asian alleles. Based on insufficient or conflicting evidence, the clinical significance of this alteration remains unclear.

Labcorp Genetics (formerly Invitae), Labcorp
Classification: Uncertain significance. Last evaluated: 2025-12-27. Review status: criteria provided, single submitter. Criteria: Invitae Variant Classification Sherloc (09022015). Collection method: clinical testing. Allele origin: germline.
Comment: This variant, c.4841_4846del, results in the deletion of 2 amino acid(s) of the TRRAP protein (p.Ser1614_Thr1615del), but otherwise preserves the integrity of the reading frame. This variant is present in population databases (rs782137438, gnomAD 0.006%). This variant has not been reported in the literature in individuals affected with TRRAP-related conditions. Experimental studies and prediction algorithms are not available or were not evaluated, and the functional significance of this variant is currently unknown. In summary, the available evidence is currently insufficient to determine the role of this variant in disease. Therefore, it has been classified as a Variant of Uncertain Significance.

NM_001375524.1(TRRAP):c.4910GCACCA[1] (p.1637ST[1])

Gene: TRRAP (transformation/transcription domain associated protein; plus strand). Cytogenetic location: 7q22.1.
Variant type: Microsatellite.
Coding change: c.4910GCACCA[1] on transcript NM_001375524.1 (MANE Select); one copy of the 6-base unit GCACCA starting at c.4910; the reference has two copies in a row; one copy, 6 bases deleted.
Protein change: p.1637ST[1].
Molecular consequence: inframe deletion.
Genome position (GRCh38, 1-based): chr7:98,949,544-98,949,549, GCACCA deleted; deleting any 6 consecutive bases within chr7:98,949,535-98,949,549 gives the same sequence; the position shown is the placement nearest the transcript's 3' end. VCF-style (leftmost placement, unchanged base first): chr7-98949534-CCCAGCA-C. GRCh37 (hg19) VCF-style: chr7-98547157-CCCAGCA-C.
Other names: c.4889GCACCA[1], p.1630ST[1] (NM_001244580.2); c.4835GCACCA[1], p.1612ST[1] (NM_003496.4); c.4895_4900delGCACCA (NM_001244580.1).
Identifiers: ClinVar variation 3616387 (VCV003616387.3).